The following is an entry in ClinVar:

NM_001048174.2(MUTYH):c.199del (p.Ala67fs)

Gene: MUTYH (mutY DNA glycosylase; minus strand). Cytogenetic location: 1p34.1.
Variant type: Deletion.
Coding change: c.199del on transcript NM_001048174.2 (MANE Select); coding-DNA position 199, one base deleted (G; older notation c.199delG).
Protein change: p.Ala67fs; shifts the reading frame from alanine 67.
Molecular consequence: frameshift variant. On other transcripts: 5 prime UTR variant (6), non-coding transcript variant (7).
Genome position (GRCh38, 1-based): chr1:45,333,478, C deleted on the plus strand (G on the coding strand, the reverse complement: MUTYH is on the minus strand). VCF-style (leftmost placement, unchanged base first): chr1-45333477-GC-G. GRCh37 (hg19) VCF-style: chr1-45799149-GC-G.
Other names: c.199del, p.Ala67fs (NM_001048171.2, NM_001048173.2, NM_001293195.2 and 6 more transcripts); c.202del, p.Ala68fs (NM_001048172.2, NM_001407071.1, NM_001407078.1 and 2 more transcripts); c.283del, p.Ala95fs (NM_001128425.2); c.244del, p.Ala82fs (NM_001293190.2); c.232del, p.Ala78fs (NM_001293191.2, NM_001407077.1); c.-78del (NM_001293192.2, NM_001293196.2, NM_001407091.1); c.-73del (NM_001350650.2, NM_001350651.2, NM_001407082.1); c.274del, p.Ala92fs (NM_001407069.1, NM_012222.3); and 3 more; short protein forms A39fs, A95fs, A67fs, A68fs, A74fs, A78fs, A92fs, A81fs.
Identifiers: ClinVar variation 4717580 (VCV004717580.1).

ClinVar aggregate classification (germline): Pathogenic (1 of 4 stars; one submission).

Conditions:
Familial adenomatous polyposis 2. Also called: FAP type 2; COLORECTAL ADENOMATOUS POLYPOSIS, AUTOSOMAL RECESSIVE; ADENOMAS, MULTIPLE COLORECTAL, AUTOSOMAL RECESSIVE; MYH-associated polyposis; MUTYH Polyposis; Adenomas, multiple colorectal. Identifiers: Orphanet 220460, Orphanet 247798, MedGen C3272841, MONDO:0012041, OMIM 608456.

Submission:

Labcorp Genetics (formerly Invitae), Labcorp
Classification: Pathogenic for Familial adenomatous polyposis 2. Last evaluated: 2025-04-16. Review status: criteria provided, single submitter. Criteria: Invitae Variant Classification Sherloc (09022015). Collection method: clinical testing. Allele origin: germline.
Comment: This sequence change creates a premature translational stop signal (p.Ala95Profs*7) in the MUTYH gene. It is expected to result in an absent or disrupted protein product. Loss-of-function variants in MUTYH are known to be pathogenic (PMID: 18534194, 20663686). This variant is not present in population databases (gnomAD no frequency). This variant has not been reported in the literature in individuals affected with MUTYH-related conditions. Algorithms developed to predict the effect of sequence changes on RNA splicing suggest that this variant may disrupt the consensus splice site. For these reasons, this variant has been classified as Pathogenic.

Literature cited by the submitters: PubMed 18534194; PubMed 20663686.